The following is an entry in ClinVar:

ClinVar aggregate classification (germline): Conflicting classifications of pathogenicity. Review status: criteria provided, conflicting classifications (1 of 4 stars). 2 submissions from 2 submitters: Uncertain significance (1); Likely benign (1). Last evaluated 2025-10-06.

Conditions:
Inborn genetic diseases. Identifiers: MedGen C0950123, MeSH D030342.
Regional enteritis. Also called: Enteritis, Granulomatous. Identifiers: MedGen C0678202, MeSH D003424.
Blau syndrome (BLAUS). Also called: ARTHROCUTANEOUVEAL GRANULOMATOSIS; GRANULOMATOSIS, FAMILIAL JUVENILE SYSTEMIC; GRANULOMATOSIS, FAMILIAL, BLAU TYPE; GRANULOMATOUS INFLAMMATORY ARTHRITIS, DERMATITIS, AND UVEITIS, FAMILIAL; JABS SYNDROME. Identifiers: Orphanet 90340, MedGen C5201146, MONDO:0008523, OMIM 186580.

Allele frequency attached by ClinVar (database versions not stated): ExAC 0.00001; gnomAD 0.00002; TOPMed 0.00004.
gnomAD v4.1: 8 of 1,613,566 alleles (0.0005%); highest among the groups gnomAD compares: African/African-American, 0.0013%; no homozygotes.

Submissions (2):

Labcorp Genetics (formerly Invitae), Labcorp
Classification: Uncertain significance for Regional enteritis; Blau syndrome. Last evaluated: 2025-10-06. Review status: criteria provided, single submitter. Criteria: Invitae Variant Classification Sherloc (09022015). Collection method: clinical testing. Allele origin: germline.
Comment: This sequence change replaces arginine, which is basic and polar, with histidine, which is basic and polar, at codon 459 of the NOD2 protein (p.Arg459His). The frequency data for this variant in the population databases is considered unreliable, as metrics indicate poor data quality at this position in the gnomAD database. This variant has not been reported in the literature in individuals affected with NOD2-related conditions. ClinVar contains an entry for this variant (Variation ID: 2923217). Invitae Evidence Modeling of protein sequence and biophysical properties (such as structural, functional, and spatial information, amino acid conservation, physicochemical variation, residue mobility, and thermodynamic stability) indicates that this missense variant is not expected to disrupt NOD2 protein function with a negative predictive value of 95%. In summary, the available evidence is currently insufficient to determine the role of this variant in disease. Therefore, it has been classified as a Variant of Uncertain Significance.

Ambry Genetics
Classification: Likely benign for Inborn genetic diseases. Last evaluated: 2025-05-05. Review status: criteria provided, single submitter. Criteria: Ambry Variant Classification Scheme 2023. Collection method: clinical testing. Allele origin: germline.

NM_001370466.1(NOD2):c.1295G>A (p.Arg432His)

Gene: NOD2 (nucleotide binding oligomerization domain containing 2; plus strand). Cytogenetic location: 16q12.1.
Variant type: single nucleotide variant.
Coding change: c.1295G>A on transcript NM_001370466.1 (MANE Select); coding-DNA position 1295, G replaced by A.
Protein change: p.Arg432His; replaces arginine 432 with histidine.
Molecular consequence: missense variant. On other transcripts: non-coding transcript variant (1).
Genome position (GRCh38, 1-based): chr16:50,711,287, G>A. VCF-style: chr16-50711287-G-A. GRCh37 (hg19) VCF-style: chr16-50745198-G-A.
Other names: c.1295G>A, p.Arg432His (NM_001293557.2); c.1376G>A, p.Arg459His (NM_022162.3); short protein forms R432H, R459H.
Identifiers: ClinVar variation 2923217 (VCV002923217.4), dbSNP rs753458507, ClinGen allele CA8051530.